The following is an entry in ClinVar:

ClinVar aggregate classification (germline): Pathogenic. Review status: criteria provided, multiple submitters, no conflicts (2 of 4 stars). 4 submissions from 4 submitters: Pathogenic (3). 1 of the submissions does not count toward it. Last evaluated 2024-09-17.

Conditions:
Tuberous sclerosis syndrome (TSC). Also called: Tuberous Sclerosis Complex; Tuberous sclerosis. Identifiers: Orphanet 805, MedGen C0041341, MONDO:0001734.
Tuberous sclerosis 1 (TSC1). Identifiers: Orphanet 805, MedGen C1854465, MONDO:0008612, OMIM 191100.

Submissions (4):

Labcorp Genetics (formerly Invitae), Labcorp
Classification: Pathogenic for Tuberous sclerosis 1. Last evaluated: 2024-09-17. Review status: criteria provided, single submitter. Criteria: Invitae Variant Classification Sherloc (09022015). Collection method: clinical testing. Allele origin: germline.
Comment: This sequence change affects an acceptor splice site in intron 20 of the TSC1 gene. It is expected to disrupt RNA splicing. Variants that disrupt the donor or acceptor splice site typically lead to a loss of protein function (PMID: 16199547), and loss-of-function variants in TSC1 are known to be pathogenic (PMID: 10227394, 17304050). This variant is not present in population databases (gnomAD no frequency). Disruption of this splice site has been observed in individual(s) with clinical features of tuberous sclerosis complex (PMID: 17304050, 23389244; internal data). In at least one individual the variant was observed to be de novo. ClinVar contains an entry for this variant (Variation ID: 48982). Algorithms developed to predict the effect of sequence changes on RNA splicing suggest that this variant may disrupt the consensus splice site. For these reasons, this variant has been classified as Pathogenic.

GeneDx
Classification: Pathogenic. Last evaluated: 2024-03-05. Review status: criteria provided, single submitter. Criteria: GeneDx Variant Classification Process June 2021. Collection method: clinical testing. Allele origin: germline. Affected: yes.
Comment: Not observed at significant frequency in large population cohorts (gnomAD); Canonical splice site variant predicted to result in a null allele in a gene for which loss of function is a known mechanism of disease; This variant is associated with the following publications: (PMID: 26563443, 23389244, 17304050)

Laboratory for Molecular Medicine, Mass General Brigham Personalized Medicine
Classification: Pathogenic for Tuberous sclerosis syndrome. Last evaluated: 2016-09-20. Review status: criteria provided, single submitter. Criteria: ACMG Guidelines, 2015. Collection method: clinical testing. Allele origin: germline. Inheritance: Autosomal dominant inheritance.
Comment: The c.2626-2A>G variant in TSC1 has been reported in 1 individual with tuberous sclerosis (Au 2007) and was absent from large population studies. This variant occurs in the invariant region (+/- 1,2) of the splice consensus sequence and is predicted to cause altered splicing leading to an abnormal or absent protein. Heterozygous loss of function of the TSC1 gene is an established disease mechanism in individuals with tuberous sclerosis. In summary, this variant meets criteria to be classified as pathogenic for tuberous sclerosis in an autosomal dominant manner based upon the predicted impact to the protein.

Tuberous sclerosis database (TSC1)
No classification provided. Condition: TSC. Review status: no classification provided. Criteria: Tuberous Sclerosis Database Assertion Criteria 2015. Collection method: curation. Allele origin: germline. Affected: yes. Not counted in ClinVar's aggregate classification.

Literature cited by the submitters: PubMed 16199547 (cited by Labcorp Genetics (formerly Invitae), Labcorp); PubMed 10227394 (cited by Labcorp Genetics (formerly Invitae), Labcorp); PubMed 17304050 (cited by Labcorp Genetics (formerly Invitae), Labcorp and Laboratory for Molecular Medicine, Mass General Brigham Personalized Medicine); PubMed 23389244 (cited by Labcorp Genetics (formerly Invitae), Labcorp).

NM_000368.5(TSC1):c.2626-2A>G

Gene: TSC1 (TSC complex subunit 1; minus strand). Cytogenetic location: 9q34.13.
Variant type: single nucleotide variant.
Coding change: c.2626-2A>G on transcript NM_000368.5 (MANE Select); the canonical splice acceptor site of the intron before coding-DNA position 2626, A replaced by G.
Molecular consequence: splice acceptor variant.
Genome position (GRCh38, 1-based): chr9:132,897,612, T>C on the plus strand (A>G on the coding strand, the complement: TSC1 is on the minus strand). VCF-style: chr9-132897612-T-C. GRCh37 (hg19) VCF-style: chr9-135772999-T-C.
Other names: c.2584-2A>G (NM_001406606.1, NM_001406607.1, NM_001406605.1); c.2626-2A>G (NM_001406592.1, NM_001406595.1, NM_001406593.1 and 2 more transcripts); c.2623-2A>G (NM_001406600.1, NM_001406598.1, NM_001162426.2 and 2 more transcripts); c.2263-2A>G (NM_001406619.1, NM_001362177.2, NM_001406614.1 and 4 more transcripts); c.2260-2A>G (NM_001406622.1, NM_001406623.1, NM_001406620.1 and 1 more transcripts); c.2470-2A>G (NM_001406611.1, NM_001406612.1); c.2473-2A>G (NM_001162427.2, NM_001406610.1); c.1672-2A>G (NM_001406628.1, NM_001406627.1); and 8 more.
Identifiers: ClinVar variation 48982 (VCV000048982.11), dbSNP rs118203717, ClinGen allele CA006734.